The following is an entry in ClinVar:

ClinVar aggregate classification (germline): Uncertain significance (1 of 4 stars; one submission).

Submission:

Labcorp Genetics (formerly Invitae), Labcorp
Classification: Uncertain significance. Last evaluated: 2024-07-09. Review status: criteria provided, single submitter. Criteria: Invitae Variant Classification Sherloc (09022015). Collection method: clinical testing. Allele origin: germline.
Comment: This sequence change creates a premature translational stop signal (p.Gln616*) in the SMARCA2 gene. It is expected to result in an absent or disrupted protein product. However, the current clinical and genetic evidence is not sufficient to establish whether loss-of-function variants in SMARCA2 cause disease. This variant is not present in population databases (gnomAD no frequency). This variant has not been reported in the literature in individuals affected with SMARCA2-related conditions. In summary, the available evidence is currently insufficient to determine the role of this variant in disease. Therefore, it has been classified as a Variant of Uncertain Significance.

NM_003070.5(SMARCA2):c.1846C>T (p.Gln616Ter)

Gene: SMARCA2 (SWI/SNF related BAF chromatin remodeling complex subunit ATPase 2; plus strand). Cytogenetic location: 9p24.3.
Variant type: single nucleotide variant.
Coding change: c.1846C>T on transcript NM_003070.5 (MANE Select); coding-DNA position 1846, C replaced by T.
Protein change: p.Gln616Ter; replaces glutamine 616 with a stop codon.
Molecular consequence: nonsense.
Genome position (GRCh38, 1-based): chr9:2,073,311, C>T. VCF-style: chr9-2073311-C-T. GRCh37 (hg19) VCF-style: chr9-2073311-C-T.
Other names: c.1846C>T, p.Gln616Ter (NM_001289396.2, NM_001289397.2, NM_139045.4); short protein forms Q616*.
Identifiers: ClinVar variation 3658134 (VCV003658134.2).